The following is an entry in ClinVar:

NM_139076.3(ABRAXAS1):c.1082G>C (p.Arg361Pro)

Gene: ABRAXAS1 (abraxas 1, BRCA1 A complex subunit; minus strand). Cytogenetic location: 4q21.23.
Variant type: single nucleotide variant.
Coding change: c.1082G>C on transcript NM_139076.3 (MANE Select); coding-DNA position 1082, G replaced by C.
Protein change: p.Arg361Pro; replaces arginine 361 with proline.
Molecular consequence: missense variant.
Genome position (GRCh38, 1-based): chr4:83,462,617, C>G on the plus strand (G>C on the coding strand, the complement: ABRAXAS1 is on the minus strand). VCF-style: chr4-83462617-C-G. GRCh37 (hg19) VCF-style: chr4-84383770-C-G.
Other names: c.755G>C, p.Arg252Pro (NM_001345962.2); c.1082G>C (NM_139076.2); short protein forms R252P, R361P.
Identifiers: ClinVar variation 2008495 (VCV002008495.5), dbSNP rs201627097, ClinGen allele CA357255211.

ClinVar aggregate classification (germline): Uncertain significance. Review status: criteria provided, multiple submitters, no conflicts (2 of 4 stars). 2 submissions from 2 submitters: Uncertain significance (2). Last evaluated 2024-04-19.

gnomAD v4.1: 1 of 1,614,076 alleles (0.000062%); highest among the groups gnomAD compares: East Asian, 0.0022%; no homozygotes.

Submissions (2):

Ambry Genetics
Classification: Uncertain significance. Last evaluated: 2024-04-19. Review status: criteria provided, single submitter. Criteria: Ambry Variant Classification Scheme 2023. Collection method: clinical testing. Allele origin: germline.
Comment: The p.R361P variant (also known as c.1082G>C), located in coding exon 9 of the FAM175A gene, results from a G to C substitution at nucleotide position 1082. The arginine at codon 361 is replaced by proline, an amino acid with dissimilar properties. This amino acid position is conserved. In addition, the in silico prediction for this alteration is inconclusive. Based on the available evidence, the clinical significance of this variant remains unclear.

Labcorp Genetics (formerly Invitae), Labcorp
Classification: Uncertain significance. Last evaluated: 2022-06-19. Review status: criteria provided, single submitter. Criteria: Invitae Variant Classification Sherloc (09022015). Collection method: clinical testing. Allele origin: germline.
Comment: This sequence change replaces arginine, which is basic and polar, with proline, which is neutral and non-polar, at codon 361 of the ABRAXAS1 protein (p.Arg361Pro). This variant is not present in population databases (gnomAD no frequency). This variant has not been reported in the literature in individuals affected with ABRAXAS1-related conditions. Algorithms developed to predict the effect of missense changes on protein structure and function are either unavailable or do not agree on the potential impact of this missense change (SIFT: "Deleterious"; PolyPhen-2: "Probably Damaging"; Align-GVGD: "Class C0"). In summary, the available evidence is currently insufficient to determine the role of this variant in disease. Therefore, it has been classified as a Variant of Uncertain Significance.